The following is an entry in ClinVar:

NM_000179.3(MSH6):c.3497G>T (p.Arg1166Met)

Gene: MSH6 (mutS homolog 6; plus strand). Cytogenetic location: 2p16.3.
Variant type: single nucleotide variant.
Coding change: c.3497G>T on transcript NM_000179.3 (MANE Select); coding-DNA position 3497, G replaced by T.
Protein change: p.Arg1166Met; replaces arginine 1166 with methionine.
Molecular consequence: missense variant. On other transcripts: non-coding transcript variant (4).
Genome position (GRCh38, 1-based): chr2:47,804,968, G>T. VCF-style: chr2-47804968-G-T. GRCh37 (hg19) VCF-style: chr2-48032107-G-T.
Other names: c.2591G>T, p.Arg864Met (NM_001281494.2, NM_001281493.2, NM_001406811.1 and 6 more transcripts); c.3593G>T, p.Arg1198Met (NM_001406795.1, NM_001406802.1); c.3107G>T, p.Arg1036Met (NM_001281492.2); c.3497G>T, p.Arg1166Met (NM_001406796.1, NM_001406800.1, NM_001406808.1 and 1 more transcripts); c.3200G>T, p.Arg1067Met (NM_001406797.1, NM_001406801.1, NM_001406805.1 and 10 more transcripts); c.3323G>T, p.Arg1108Met (NM_001406798.1); c.2972G>T, p.Arg991Met (NM_001406799.1, NM_001406806.1, NM_001406807.1); c.2633G>T, p.Arg878Met (NM_001406803.1); and 7 more; short protein forms R1036M, R1067M, R1168M, R1108M, R1166M, R644M, R864M, R878M.
Identifiers: ClinVar variation 3913758 (VCV003913758.1).

ClinVar aggregate classification (germline): Uncertain significance (1 of 4 stars; one submission).

Conditions:
Hereditary cancer-predisposing syndrome. Also called: Hereditary Cancer Syndrome; Hereditary neoplastic syndrome; Neoplastic Syndromes, Hereditary; Tumor predisposition. Identifiers: Orphanet 140162, MedGen C0027672, MeSH D009386, MONDO:0015356.

Submission:

Ambry Genetics
Classification: Uncertain significance for Hereditary cancer-predisposing syndrome. Last evaluated: 2025-05-19. Review status: criteria provided, single submitter. Criteria: Ambry Variant Classification Scheme 2023. Collection method: clinical testing. Allele origin: germline.
Comment: The p.R1166M variant (also known as c.3497G>T), located in coding exon 6 of the MSH6 gene, results from a G to T substitution at nucleotide position 3497. The arginine at codon 1166 is replaced by methionine, an amino acid with similar properties. This amino acid position is conserved. In addition, this alteration is predicted to be deleterious by in silico analysis. Based on the available evidence, the clinical significance of this variant remains unclear.